The following is an entry in ClinVar:

NM_001367624.2(ZNF469):c.11533C>A (p.Pro3845Thr)

Gene: ZNF469 (zinc finger protein 469; plus strand). Cytogenetic location: 16q24.2.
Variant type: single nucleotide variant.
Coding change: c.11533C>A on transcript NM_001367624.2 (MANE Select); coding-DNA position 11533, C replaced by A.
Protein change: p.Pro3845Thr; replaces proline 3845 with threonine.
Molecular consequence: missense variant.
Genome position (GRCh38, 1-based): chr16:88,439,003, C>A. VCF-style: chr16-88439003-C-A. GRCh37 (hg19) VCF-style: chr16-88505411-C-A.
Other names: NM_001127464.1:c.11449C>A; short protein forms P3845T.
Identifiers: ClinVar variation 3987337 (VCV003987337.1).
Genomic context (GRCh38, chr16:88,439,003, plus strand): 5'-CCAGCCAGGAGTGAAAGTGTGGGGAGCTTCGGGAGAGCCCCCTCAGCCCCTGACAAGCCC[C>A]CCCGGACCCCTCGGAAGCAGGCAACTCCCAGCCGCGTGCTCCCGACCAAGCCCAAGCCCA-3'
Protein context (NP_001354553.1, residues 3835-3855): GRAPSAPDKP[Pro3845Thr]RTPRKQATPS

ClinVar aggregate classification (germline): Uncertain significance (1 of 4 stars; one submission).

Conditions:
Cardiovascular phenotype. Identifiers: MedGen CN230736.

gnomAD v4.1: 2 of 1,550,322 alleles (0.00013%); no homozygotes.

Submission:

Ambry Genetics
Classification: Uncertain significance for Cardiovascular phenotype. Last evaluated: 2025-05-03. Review status: criteria provided, single submitter. Criteria: Ambry Variant Classification Scheme 2023. Collection method: clinical testing. Allele origin: germline.
Comment: The p.P3817T variant (also known as c.11449C>A), located in coding exon 2 of the ZNF469 gene, results from a C to A substitution at nucleotide position 11449. The proline at codon 3817 is replaced by threonine, an amino acid with highly similar properties. This amino acid position is conserved. In addition, this alteration is predicted to be tolerated by in silico analysis. Based on the available evidence, the clinical significance of this variant remains unclear.